The following is an entry in ClinVar:

ClinVar aggregate classification (germline): Likely benign. Review status: criteria provided, multiple submitters, no conflicts (2 of 4 stars). 9 submissions from 9 submitters: Likely benign (5). 4 of the submissions do not count toward it. Last evaluated 2026-04-01.

Conditions:
Inborn genetic diseases. Identifiers: MedGen C0950123, MeSH D030342.
PPP3CA-related disorder. Also called: PPP3CA-related disorders; PPP3CA-related condition.

Allele frequency attached by ClinVar (database versions not stated): gnomAD exomes 0.00026 and 0.00039; ESP Exome Variant Server 0.00031; ExAC 0.00038; gnomAD 0.00052 and 0.00058; TOPMed 0.00083.

Submissions (9):

CeGaT Center for Human Genetics Tuebingen
Classification: Likely benign. Last evaluated: 2026-04-01. Review status: criteria provided, single submitter. Criteria: CeGaT Center For Human Genetics Tuebingen Variant Classification Criteria Version 2. Collection method: clinical testing. Allele origin: germline. Affected: yes. Observed: 4 variant alleles.
Comment: PPP3CA: PP2, BS1

Labcorp Genetics (formerly Invitae), Labcorp
Classification: Likely benign. Last evaluated: 2026-01-26. Review status: criteria provided, single submitter. Criteria: Invitae Variant Classification Sherloc (09022015). Collection method: clinical testing. Allele origin: germline.

Blueprint Genetics
Classification: Likely benign. Last evaluated: 2024-09-26. Review status: criteria provided, single submitter. Criteria: ACMG Guidelines, 2015. Collection method: clinical testing. Allele origin: germline.

Ambry Genetics
Classification: Likely benign for Inborn genetic diseases. Last evaluated: 2021-11-05. Review status: criteria provided, single submitter. Criteria: Ambry Variant Classification Scheme 2023. Collection method: clinical testing. Allele origin: germline.

Breakthrough Genomics
Classification: Likely benign. Review status: criteria provided, single submitter. Criteria: ACMG Guidelines, 2015. Collection method: not provided. Allele origin: germline. Inheritance: Autosomal dominant inheritance. Affected: yes.

PreventionGenetics, part of Exact Sciences
Classification: Likely benign for PPP3CA-related condition. Last evaluated: 2021-06-09. Review status: no assertion criteria provided. Collection method: clinical testing. Allele origin: germline. Not counted in ClinVar's aggregate classification.
Comment: This variant is classified as likely benign based on ACMG/AMP sequence variant interpretation guidelines (Richards et al. 2015 PMID: 25741868, with internal and published modifications).

Clinical Genetics DNA and cytogenetics Diagnostics Lab, Erasmus MC, Erasmus Medical Center
Classification: Likely benign. Review status: no assertion criteria provided. Collection method: clinical testing. Allele origin: germline. Affected: yes. Study: VKGL Data-share Consensus. Not counted in ClinVar's aggregate classification.

Genome Diagnostics Laboratory, University Medical Center Utrecht
Classification: Likely benign. Review status: no assertion criteria provided. Collection method: clinical testing. Allele origin: germline. Affected: yes. Study: VKGL Data-share Consensus. Not counted in ClinVar's aggregate classification.

Laboratory of Diagnostic Genome Analysis, Leiden University Medical Center (LUMC)
Classification: Likely benign. Review status: no assertion criteria provided. Collection method: clinical testing. Allele origin: germline. Affected: yes. Study: VKGL Data-share Consensus. Not counted in ClinVar's aggregate classification.

NM_000944.5(PPP3CA):c.91G>T (p.Ala31Ser)

Gene: PPP3CA (protein phosphatase 3 catalytic subunit alpha; minus strand). Cytogenetic location: 4q24.
Variant type: single nucleotide variant.
Coding change: c.91G>T on transcript NM_000944.5 (MANE Select); coding-DNA position 91, G replaced by T.
Protein change: p.Ala31Ser; replaces alanine 31 with serine.
Molecular consequence: missense variant.
Genome position (GRCh38, 1-based): chr4:101,196,084, C>A on the plus strand (G>T on the coding strand, the complement: PPP3CA is on the minus strand). VCF-style: chr4-101196084-C-A. GRCh37 (hg19) VCF-style: chr4-102117241-C-A.
Other names: c.91G>T, p.Ala31Ser (NM_001130691.2, NM_001130692.2); c.91G>T (NM_000944.4); short protein forms A31S.
Identifiers: ClinVar variation 1205977 (VCV001205977.29), dbSNP rs200056844, ClinGen allele CA3024562.
Genomic context (GRCh38, chr4:101,196,084, plus strand): 5'-TAAGATGCGCCTTTAAGATATCCACACGAGGTTTTCCATCATTATCAAACACTTCTTTTG[C>A]TGTAAGCCGGTGACTTGGAGGAAATGGAACAGCTGAAAGAAGAAAGGTCTAATTATTACA-3'
Protein context (NP_000935.1, residues 21-41): VPFPPSHRLT[Ala31Ser]KEVFDNDGKP